The following is an entry in ClinVar:

NM_138295.5(PKD1L1):c.5660C>T (p.Thr1887Met)

Gene: PKD1L1 (polycystin 1 like 1, transient receptor potential channel interacting; minus strand). Cytogenetic location: 7p12.3.
Variant type: single nucleotide variant.
Coding change: c.5660C>T on transcript NM_138295.5 (MANE Select); coding-DNA position 5660, C replaced by T.
Protein change: p.Thr1887Met; replaces threonine 1887 with methionine.
Molecular consequence: missense variant.
Genome position (GRCh38, 1-based): chr7:47,839,555, G>A on the plus strand (C>T on the coding strand, the complement: PKD1L1 is on the minus strand). VCF-style: chr7-47839555-G-A. GRCh37 (hg19) VCF-style: chr7-47879153-G-A.
Other names: short protein forms T1887M.
Identifiers: ClinVar variation 5016838 (VCV005016838.1).

ClinVar aggregate classification (germline): Uncertain significance (1 of 4 stars; one submission).

gnomAD v4.1: 66 of 1,607,878 alleles (0.0041%); highest among the groups gnomAD compares: East Asian, 0.0067%; no homozygotes.

Submission:

GeneDx
Classification: Uncertain significance. Last evaluated: 2026-03-31. Review status: criteria provided, single submitter. Criteria: GeneDx Variant Classification Process June 2021. Collection method: clinical testing. Allele origin: germline.
Comment: In silico analysis supports that this missense variant has a deleterious effect on protein structure/function; Observed in a patient with heterotaxy in published literature (PMID: 35474353); This variant is associated with the following publications: (PMID: 35474353)